The following is an entry in ClinVar:

ClinVar aggregate classification (germline): Conflicting classifications of pathogenicity. Review status: criteria provided, conflicting classifications (1 of 4 stars). 2 submissions from 2 submitters: Uncertain significance (1); Likely benign (1). Last evaluated 2025-04-20.

Conditions:
Inborn genetic diseases. Identifiers: MedGen C0950123, MeSH D030342.

Submissions (2):

Ambry Genetics
Classification: Uncertain significance for Inborn genetic diseases. Last evaluated: 2025-04-20. Review status: criteria provided, single submitter. Criteria: Ambry Variant Classification Scheme 2023. Collection method: clinical testing. Allele origin: germline.
Comment: The p.P1334A variant (also known as c.4000C>G), located in coding exon 13 of the ASXL1 gene, results from a C to G substitution at nucleotide position 4000. The proline at codon 1334 is replaced by alanine, an amino acid with highly similar properties. This amino acid position is conserved. In addition, this alteration is predicted to be tolerated by in silico analysis. Based on the available evidence, the clinical significance of this variant remains unclear.

Labcorp Genetics (formerly Invitae), Labcorp
Classification: Likely benign. Last evaluated: 2022-09-01. Review status: criteria provided, single submitter. Criteria: Invitae Variant Classification Sherloc (09022015). Collection method: clinical testing. Allele origin: germline.

NM_015338.6(ASXL1):c.4000C>G (p.Pro1334Ala)

Gene: ASXL1 (ASXL transcriptional regulator 1; plus strand). Cytogenetic location: 20q11.21.
Variant type: single nucleotide variant.
Coding change: c.4000C>G on transcript NM_015338.6 (MANE Select); coding-DNA position 4000, C replaced by G.
Protein change: p.Pro1334Ala; replaces proline 1334 with alanine.
Molecular consequence: missense variant.
Genome position (GRCh38, 1-based): chr20:32,436,712, C>G. VCF-style: chr20-32436712-C-G. GRCh37 (hg19) VCF-style: chr20-31024515-C-G.
Other names: c.3817C>G, p.Pro1273Ala (NM_001363734.1); short protein forms P1334A, P1273A.
Identifiers: ClinVar variation 1994565 (VCV001994565.5), dbSNP rs2515588146, ClinGen allele CA408564230.